The following is an entry in ClinVar:

NM_014844.5(TECPR2):c.2599G>T (p.Glu867Ter)

Gene: TECPR2 (tectonin beta-propeller repeat containing 2; plus strand). Cytogenetic location: 14q32.31.
Variant type: single nucleotide variant.
Coding change: c.2599G>T on transcript NM_014844.5 (MANE Select); coding-DNA position 2599, G replaced by T.
Protein change: p.Glu867Ter; replaces glutamic acid 867 with a stop codon.
Molecular consequence: nonsense.
Genome position (GRCh38, 1-based): chr14:102,440,456, G>T. VCF-style: chr14-102440456-G-T. GRCh37 (hg19) VCF-style: chr14-102906793-G-T.
Other names: c.2599G>T, p.Glu867Ter (NM_001172631.3); short protein forms E867*.
Identifiers: ClinVar variation 1074322 (VCV001074322.7), dbSNP rs200843101, ClinGen allele CA391066530.

ClinVar aggregate classification (germline): Pathogenic (1 of 4 stars; one submission).

Conditions:
Hereditary spastic paraplegia 49 (HSAN9). Also called: Spastic paraplegia 49, autosomal recessive; NEUROPATHY, HEREDITARY SENSORY AND AUTONOMIC, TYPE IX, WITH DEVELOPMENTAL DELAY; TECPR2-Related Hereditary Sensory and Autonomic Neuropathy with Intellectual Disability. Identifiers: Orphanet 320385, MedGen C5190860, MONDO:0014016, OMIM 615031.

Submission:

Labcorp Genetics (formerly Invitae), Labcorp
Classification: Pathogenic for Hereditary spastic paraplegia 49. Last evaluated: 2020-04-12. Review status: criteria provided, single submitter. Criteria: Invitae Variant Classification Sherloc (09022015). Collection method: clinical testing. Allele origin: germline.
Comment: This variant has not been reported in the literature in individuals with TECPR2-related conditions. This sequence change creates a premature translational stop signal (p.Glu867*) in the TECPR2 gene. It is expected to result in an absent or disrupted protein product. This variant is not present in population databases (ExAC no frequency). Loss-of-function variants in TECPR2 are known to be pathogenic (PMID: 23176824, 25590979). For these reasons, this variant has been classified as Pathogenic.

Literature cited by the submitters: PubMed 23176824; PubMed 25590979.